The following is an entry in ClinVar:

ClinVar aggregate classification (germline): Uncertain significance (1 of 4 stars; one submission).

Submission:

GeneDx
Classification: Uncertain significance. Last evaluated: 2023-06-08. Review status: criteria provided, single submitter. Criteria: GeneDx Variant Classification Process June 2021. Collection method: clinical testing. Allele origin: germline. Affected: yes.
Comment: Not observed at significant frequency in large population cohorts (gnomAD); In silico analysis supports that this missense variant does not alter protein structure/function; Has not been previously published as pathogenic or benign to our knowledge

NM_005413.4(SIX3):c.25C>G (p.Leu9Val)

Gene: SIX3 (SIX homeobox 3; plus strand). Cytogenetic location: 2p21.
Variant type: single nucleotide variant.
Coding change: c.25C>G on transcript NM_005413.4 (MANE Select); coding-DNA position 25, C replaced by G.
Protein change: p.Leu9Val; replaces leucine 9 with valine.
Molecular consequence: missense variant.
Genome position (GRCh38, 1-based): chr2:44,942,129, C>G. VCF-style: chr2-44942129-C-G. GRCh37 (hg19) VCF-style: chr2-45169268-C-G.
Other names: short protein forms L9V.
Identifiers: ClinVar variation 3359545 (VCV003359545.1).